The following is an entry in ClinVar:

ClinVar aggregate classification (germline): Uncertain significance. Review status: criteria provided, multiple submitters, no conflicts (2 of 4 stars). 2 submissions from 2 submitters: Uncertain significance (2). Last evaluated 2025-12-18.

Conditions:
Glycogen storage disease IXa1. Also called: LIVER GLYCOGENOSIS, X-LINKED, TYPE I; GLYCOGEN STORAGE DISEASE VIII; GSD VIII; Glycogen storage disease 8. Identifiers: Orphanet 264580, MedGen C3694531, MONDO:0010598, OMIM 306000.
Inborn genetic diseases. Identifiers: MedGen C0950123, MeSH D030342.

gnomAD v4.1: 8 of 1,209,703 alleles (0.00066%); highest among the groups gnomAD compares: African/African-American, 0.0052%; no homozygotes.

Submissions (2):

Clinical Genomics Laboratory, Washington University in St. Louis
Classification: Uncertain significance for Glycogen storage disease IXa1. Last evaluated: 2025-12-18. Review status: criteria provided, single submitter. Criteria: ACMG Guidelines, 2015. Collection method: clinical testing. Allele origin: germline.
Comment: The PHKA2 c.2386T>C (p.Ser796Pro) variant, to our knowledge, has not been reported in the medical literature but has been reported in the ClinVar database as a germline variant of uncertain significance by one submitter. This variant is only observed on 8/1,209,703 alleles in the general population (gnomAD v4.1.0), indicating it is not a common variant. Computational predictors are uncertain as to the impact of this variant on PHKA2 function. Due to limited information, and based on ACMG/AMP guidelines for variant interpretation (Richards S et al., PMID: 25741868), the clinical significance of this variant is uncertain at this time.

Ambry Genetics
Classification: Uncertain significance for Inborn genetic diseases. Last evaluated: 2025-03-05. Review status: criteria provided, single submitter. Criteria: Ambry Variant Classification Scheme 2023. Collection method: clinical testing. Allele origin: germline.

NM_000292.3(PHKA2):c.2386T>C (p.Ser796Pro)

Gene: PHKA2 (phosphorylase kinase regulatory subunit alpha 2; minus strand). Cytogenetic location: Xp22.13.
Variant type: single nucleotide variant.
Coding change: c.2386T>C on transcript NM_000292.3 (MANE Select); coding-DNA position 2386, T replaced by C.
Protein change: p.Ser796Pro; replaces serine 796 with proline.
Molecular consequence: missense variant.
Genome position (GRCh38, 1-based): chrX:18,908,031, A>G on the plus strand (T>C on the coding strand, the complement: PHKA2 is on the minus strand). VCF-style: chrX-18908031-A-G. GRCh37 (hg19) VCF-style: chrX-18926149-A-G.
Other names: short protein forms S796P.
Identifiers: ClinVar variation 3888344 (VCV003888344.2).